The following is an entry in ClinVar:

NM_001365276.2(TNXB):c.9121A>G (p.Lys3041Glu)

Gene: TNXB (tenascin XB; minus strand). Cytogenetic location: 6p21.33.
Variant type: single nucleotide variant.
Coding change: c.9121A>G on transcript NM_001365276.2 (MANE Select); coding-DNA position 9121, A replaced by G.
Protein change: p.Lys3041Glu; replaces lysine 3041 with glutamic acid.
Molecular consequence: missense variant.
Genome position (GRCh38, 1-based): chr6:32,050,316, T>C on the plus strand (A>G on the coding strand, the complement: TNXB is on the minus strand). VCF-style: chr6-32050316-T-C. GRCh37 (hg19) VCF-style: chr6-32018093-T-C.
Other names: p.Lys3039Glu; c.9115A>G, p.Lys3039Glu (NM_019105.8); short protein forms K3039E, K3041E.
Identifiers: ClinVar variation 871703 (VCV000871703.53), dbSNP rs376639281, ClinGen allele CA3733624.

ClinVar aggregate classification (germline): Conflicting classifications of pathogenicity. Review status: criteria provided, conflicting classifications (1 of 4 stars). 8 submissions from 8 submitters: Uncertain significance (2); Likely benign (5). 1 of the submissions does not count toward it. Last evaluated 2026-01-20.

Conditions:
Cardiovascular phenotype. Identifiers: MedGen CN230736.
TNXB-related disorder. Also called: TNXB-related condition.
Ehlers-Danlos syndrome (EDS). Identifiers: Orphanet 98249, MedGen C0013720, MONDO:0020066.

Allele frequency attached by ClinVar (database versions not stated): ESP Exome Variant Server 0.00013; 1000 Genomes Project 0.00040; ExAC 0.00016; gnomAD 0.00019; TOPMed 0.00021; 1000 Genomes Project 30x 0.00031.

Submissions (8):

Labcorp Genetics (formerly Invitae), Labcorp
Classification: Likely benign. Last evaluated: 2026-01-20. Review status: criteria provided, single submitter. Criteria: Invitae Variant Classification Sherloc (09022015). Collection method: clinical testing. Allele origin: germline.

Mayo Clinic Laboratories, Mayo Clinic
Classification: Likely benign. Last evaluated: 2025-06-30. Review status: criteria provided, single submitter. Criteria: ACMG Guidelines, 2015. Collection method: clinical testing. Allele origin: germline. Observed: 2 variant alleles.
Comment: BS1, BP4

Women's Health and Genetics/Laboratory Corporation of America, LabCorp
Classification: Likely benign. Last evaluated: 2025-02-12. Review status: criteria provided, single submitter. Criteria: LabCorp Variant Classification Summary - May 2015. Collection method: clinical testing. Allele origin: germline.
Comment: Variant summary: TNXB c.9115A>G (p.Lys3039Glu) results in a conservative amino acid change in the encoded protein sequence. Four of four in-silico tools predict a benign effect of the variant on protein function. The variant allele was found at a frequency of 0.00014 in 1612478 control chromosomes, predominantly at a frequency of 0.003 within the Ashkenazi Jewish subpopulation in the gnomAD database. The observed variant frequency within Ashkenazi Jewish control individuals in the gnomAD database is approximately 2.7 fold of the estimated maximal expected allele frequency for a pathogenic variant in TNXB causing Ehlers-Danlos syndrome due to tenascin-X deficiency phenotype (0.0011). To our knowledge, no occurrence of c.9115A>G in individuals affected with Ehlers-Danlos syndrome due to tenascin-X deficiency and no experimental evidence demonstrating its impact on protein function have been reported. ClinVar contains an entry for this variant (Variation ID: 871703). Based on the evidence outlined above, the variant was classified as likely benign.

CeGaT Center for Human Genetics Tuebingen
Classification: Uncertain significance. Last evaluated: 2024-10-01. Review status: criteria provided, single submitter. Criteria: CeGaT Center For Human Genetics Tuebingen Variant Classification Criteria Version 2. Collection method: clinical testing. Allele origin: germline. Affected: yes. Observed: 2 variant alleles.
Comment: TNXB: PM2:Supporting, BP4

Ambry Genetics
Classification: Likely benign for Cardiovascular phenotype. Last evaluated: 2021-08-02. Review status: criteria provided, single submitter. Criteria: Ambry Variant Classification Scheme 2023. Collection method: clinical testing. Allele origin: germline.

GeneDx
Classification: Likely benign. Last evaluated: 2020-08-14. Review status: criteria provided, single submitter. Criteria: GeneDx Variant Classification Process June 2021. Collection method: clinical testing. Allele origin: germline. Affected: yes.

Genome Diagnostics Laboratory, The Hospital for Sick Children
Classification: Uncertain significance for Ehlers-Danlos syndrome. Last evaluated: 2020-03-05. Review status: criteria provided, single submitter. Criteria: ACMG Guidelines, 2015. Collection method: clinical testing. Allele origin: germline.

PreventionGenetics, part of Exact Sciences
Classification: Likely benign for TNXB-related condition. Last evaluated: 2024-02-06. Review status: no assertion criteria provided. Collection method: clinical testing. Allele origin: germline. Not counted in ClinVar's aggregate classification.
Comment: This variant is classified as likely benign based on ACMG/AMP sequence variant interpretation guidelines (Richards et al. 2015 PMID: 25741868, with internal and published modifications).